The following is an entry in ClinVar:

ClinVar aggregate classification (germline): Uncertain significance (1 of 4 stars; one submission).

Conditions:
Hereditary pulmonary alveolar proteinosis. Also called: Pulmonary surfactant metabolism dysfunction. Identifiers: Orphanet 264675, MedGen C3711368, MONDO:0012580.

Allele frequency attached by ClinVar (database versions not stated): gnomAD exomes 0.00002; gnomAD 0.00003; TOPMed 0.00003; ExAC 0.00014; 1000 Genomes Project 30x 0.00016; 1000 Genomes Project 0.00020.

Submission:

Ambry Genetics
Classification: Uncertain significance for Hereditary pulmonary alveolar proteinosis. Last evaluated: 2021-10-21. Review status: criteria provided, single submitter. Criteria: Ambry Variant Classification Scheme 2023. Collection method: clinical testing. Allele origin: germline.
Comment: The p.V267I variant (also known as c.799G>A), located in coding exon 7 of the SFTPB gene, results from a G to A substitution at nucleotide position 799. The valine at codon 267 is replaced by isoleucine, an amino acid with highly similar properties. This amino acid position is conserved. In addition, this alteration is predicted to be tolerated by in silico analysis. Since supporting evidence is limited at this time, the clinical significance of this alteration remains unclear.

NM_000542.5(SFTPB):c.763G>A (p.Val255Ile)

Gene: SFTPB (surfactant protein B; minus strand). Cytogenetic location: 2p11.2.
Variant type: single nucleotide variant.
Coding change: c.763G>A on transcript NM_000542.5 (MANE Select); coding-DNA position 763, G replaced by A.
Protein change: p.Val255Ile; replaces valine 255 with isoleucine.
Molecular consequence: missense variant.
Genome position (GRCh38, 1-based): chr2:85,663,757, C>T on the plus strand (G>A on the coding strand, the complement: SFTPB is on the minus strand). VCF-style: chr2-85663757-C-T. GRCh37 (hg19) VCF-style: chr2-85890880-C-T.
Other names: c.763G>A, p.Val255Ile (NM_001367281.2, NM_198843.4); short protein forms V255I.
Identifiers: ClinVar variation 1761551 (VCV001761551.2), dbSNP rs186576601, ClinGen allele CA1743936.